The following is an entry in ClinVar:

NC_000007.14:g.(?_117504233)_(117504391_?)del

Gene: CFTR (CF transmembrane conductance regulator; plus strand). Cytogenetic location: 7q31.2.
Variant type: Deletion.
Identifiers: ClinVar variation 830463 (VCV000830463.1).

ClinVar aggregate classification (germline): Pathogenic (1 of 4 stars; one submission).

Conditions:
Cystic fibrosis (CF). Also called: MUCOVISCIDOSIS. Identifiers: Orphanet 586, MedGen C0010674, MONDO:0009061, OMIM 219700. Disease mechanism: loss of function.

Submission:

Labcorp Genetics (formerly Invitae), Labcorp
Classification: Pathogenic for Cystic fibrosis. Last evaluated: 2019-12-01. Review status: criteria provided, single submitter. Criteria: Invitae Variant Classification Sherloc (09022015). Collection method: clinical testing. Allele origin: germline.
Comment: This variant is an in-frame deletion of the genomic region encompassing exon 2 of the CFTR gene. It preserves the integrity of the reading frame. Deletions of exon 2 have been observed in several individuals affected with cystic fibrosis, pancreatic insufficiency, and congenital absence of vas deferens (PMID: 16931591, 15520400, 17448246, 22658665). This variant disrupts the p.Ser50 amino acid residue in CFTR. Other variant(s) that disrupt this residue have been observed in affected individuals (PMID: 25697318, 10612827, 10875853), suggesting that it is a clinically significant residue. As a result, variants that disrupt this residue are likely to be causative of disease. For these reasons, this variant has been classified as Pathogenic.

Literature cited by the submitters: PubMed 15520400; PubMed 10612827; PubMed 17448246; PubMed 10875853; PubMed 16931591; PubMed 22658665; PubMed 25697318.